The following is an entry in ClinVar:

ClinVar aggregate classification (germline): Likely benign. Review status: criteria provided, multiple submitters, no conflicts (2 of 4 stars). 3 submissions from 3 submitters: Likely benign (3). Last evaluated 2026-07-21.

Conditions:
MYO15A-related disorder. Also called: MYO15A-related condition.

Allele frequency attached by ClinVar (database versions not stated): gnomAD exomes 0.00012; ExAC 0.00015; ESP Exome Variant Server 0.00031; gnomAD 0.00033 and 0.00036; TOPMed 0.00035; 1000 Genomes Project 0.00040; 1000 Genomes Project 30x 0.00062.
gnomAD v4.1: 92 of 1,612,940 alleles (0.0057%); highest among the groups gnomAD compares: African/African-American, 0.11%; no homozygotes.

Submissions (3):

PreventionGenetics, part of Exact Sciences
Classification: Likely benign for MYO15A-related condition. Last evaluated: 2026-07-21. Review status: criteria provided, single submitter. Criteria: ACMG Guidelines, 2015. Collection method: clinical testing. Allele origin: germline.
Comment: This variant is classified as likely benign based on ACMG/AMP sequence variant interpretation guidelines (Richards et al. 2015 PMID: 25741868, with internal and published modifications).

Labcorp Genetics (formerly Invitae), Labcorp
Classification: Likely benign. Last evaluated: 2025-12-30. Review status: criteria provided, single submitter. Criteria: Invitae Variant Classification Sherloc (09022015). Collection method: clinical testing. Allele origin: germline.

GeneDx
Classification: Likely benign. Last evaluated: 2020-10-20. Review status: criteria provided, single submitter. Criteria: GeneDx Variant Classification Process June 2021. Collection method: clinical testing. Allele origin: germline. Affected: yes.

NM_016239.4(MYO15A):c.1359C>T (p.Pro453=)

Gene: MYO15A (myosin XVA; plus strand). Cytogenetic location: 17p11.2.
Variant type: single nucleotide variant.
Coding change: c.1359C>T on transcript NM_016239.4 (MANE Select); coding-DNA position 1359, C replaced by T.
Protein change: p.Pro453=; no amino-acid change (proline 453 retained).
Molecular consequence: synonymous variant.
Genome position (GRCh38, 1-based): chr17:18,120,159, C>T. VCF-style: chr17-18120159-C-T. GRCh37 (hg19) VCF-style: chr17-18023473-C-T.
Identifiers: ClinVar variation 735333 (VCV000735333.11), dbSNP rs374011803, ClinGen allele CA8423085.